The following is an entry in ClinVar:

NM_004656.4(BAP1):c.2099G>A (p.Arg700Gln)

Gene: BAP1 (BRCA1 associated deubiquitinase 1; minus strand). Cytogenetic location: 3p21.1.
Variant type: single nucleotide variant.
Coding change: c.2099G>A on transcript NM_004656.4 (MANE Select); coding-DNA position 2099, G replaced by A.
Protein change: p.Arg700Gln; replaces arginine 700 with glutamine.
Molecular consequence: missense variant.
Genome position (GRCh38, 1-based): chr3:52,402,379, C>T on the plus strand (G>A on the coding strand, the complement: BAP1 is on the minus strand). VCF-style: chr3-52402379-C-T. GRCh37 (hg19) VCF-style: chr3-52436395-C-T.
Other names: c.2099G>A (NM_004656.2); short protein forms R700Q.
Identifiers: ClinVar variation 926097 (VCV000926097.9), dbSNP rs1704985729, ClinGen allele CA353094368.
Genomic context (GRCh38, chr3:52,402,379, plus strand): 5'-CGTTTCCGCCGGTCAGGCTTCCGCTGCTTGTGGAGCCGGCCGATGCTGACCCCTTGGCGC[C>T]GCCGCACGGAGATGTTCTGCTCCACTAGGTTGGCCAGCATGCCTGCGAAGAGGTAGAGAC-3'
Protein context (NP_004647.1, residues 690-710): NLVEQNISVR[Arg700Gln]RQGVSIGRLH

ClinVar aggregate classification (germline): Uncertain significance. Review status: criteria provided, multiple submitters, no conflicts (2 of 4 stars). 4 submissions from 4 submitters: Uncertain significance (4). Last evaluated 2025-12-29.

Conditions:
Hereditary cancer-predisposing syndrome. Also called: Neoplastic Syndromes, Hereditary; Tumor predisposition; Hereditary Cancer Syndrome; Hereditary neoplastic syndrome. Identifiers: Orphanet 140162, MedGen C0027672, MeSH D009386, MONDO:0015356.
BAP1-related tumor predisposition syndrome (TPDS1). Also called: Tumor susceptibility linked to germline BAP1 mutations; COMMON Syndrome; TUMOR PREDISPOSITION SYNDROME 1; BAP1 tumor predisposition syndrome. Identifiers: Orphanet 289539, MedGen C3280492, MONDO:0013692, OMIM 614327.

Allele frequency attached by ClinVar (database versions not stated): gnomAD exomes below 0.00001.

Submissions (4):

Center for Genomic Medicine, Rigshospitalet, Copenhagen University Hospital
Classification: Uncertain significance. Last evaluated: 2025-12-29. Review status: criteria provided, single submitter. Criteria: ACMG Guidelines, 2015. Collection method: clinical testing. Allele origin: germline.

Labcorp Genetics (formerly Invitae), Labcorp
Classification: Uncertain significance for BAP1-related tumor predisposition syndrome. Last evaluated: 2025-02-04. Review status: criteria provided, single submitter. Criteria: Invitae Variant Classification Sherloc (09022015). Collection method: clinical testing. Allele origin: germline.
Comment: This sequence change replaces arginine, which is basic and polar, with glutamine, which is neutral and polar, at codon 700 of the BAP1 protein (p.Arg700Gln). This variant is not present in population databases (gnomAD no frequency). This variant has not been reported in the literature in individuals affected with BAP1-related conditions. ClinVar contains an entry for this variant (Variation ID: 926097). Invitae Evidence Modeling of protein sequence and biophysical properties (such as structural, functional, and spatial information, amino acid conservation, physicochemical variation, residue mobility, and thermodynamic stability) indicates that this missense variant is not expected to disrupt BAP1 protein function with a negative predictive value of 80%. In summary, the available evidence is currently insufficient to determine the role of this variant in disease. Therefore, it has been classified as a Variant of Uncertain Significance.

Ambry Genetics
Classification: Uncertain significance for Hereditary cancer-predisposing syndrome. Last evaluated: 2023-10-24. Review status: criteria provided, single submitter. Criteria: Ambry Variant Classification Scheme 2023. Collection method: clinical testing. Allele origin: germline.
Comment: The p.R700Q variant (also known as c.2099G>A), located in coding exon 17 of the BAP1 gene, results from a G to A substitution at nucleotide position 2099. The arginine at codon 700 is replaced by glutamine, an amino acid with highly similar properties. This amino acid position is highly conserved in available vertebrate species. In addition, this alteration is predicted to be tolerated by in silico analysis. Since supporting evidence is limited at this time, the clinical significance of this alteration remains unclear.

Color Diagnostics, LLC DBA Color Health
Classification: Uncertain significance for Hereditary cancer-predisposing syndrome. Last evaluated: 2019-06-26. Review status: criteria provided, single submitter. Criteria: ACMG Guidelines, 2015. Collection method: clinical testing. Allele origin: germline.